The following is an entry in ClinVar:

NM_001370259.2(MEN1):c.57G>A (p.Val19=)

Gene: MEN1 (menin 1; minus strand). Cytogenetic location: 11q13.1.
Variant type: single nucleotide variant.
Coding change: c.57G>A on transcript NM_001370259.2 (MANE Select); coding-DNA position 57, G replaced by A.
Protein change: p.Val19=; no amino-acid change (valine 19 retained).
Molecular consequence: synonymous variant.
Genome position (GRCh38, 1-based): chr11:64,810,053, C>T on the plus strand (G>A on the coding strand, the complement: MEN1 is on the minus strand). VCF-style: chr11-64810053-C-T. GRCh37 (hg19) VCF-style: chr11-64577525-C-T.
Other names: c.57G>A, p.Val19= (NM_000244.4, NM_001370251.2, NM_001370260.2 and 9 more transcripts).
Identifiers: ClinVar variation 972570 (VCV000972570.11), dbSNP rs759282395, ClinGen allele CA061306.

ClinVar aggregate classification (germline): Benign/Likely benign. Review status: criteria provided, multiple submitters, no conflicts (2 of 4 stars). 3 submissions from 3 submitters: Benign (1); Likely benign (2). Last evaluated 2025-11-18.

Conditions:
Hereditary cancer-predisposing syndrome. Also called: Tumor predisposition; Hereditary Cancer Syndrome; Neoplastic Syndromes, Hereditary; Hereditary neoplastic syndrome. Identifiers: Orphanet 140162, MedGen C0027672, MeSH D009386, MONDO:0015356.
Multiple endocrine neoplasia, type 1 (MEN1). Also called: MEN I; WERMER SYNDROME; Endocrine adenomatosis multiple; MEN 1; MEA I. Identifiers: Orphanet 652, MedGen C0025267, MeSH D018761, MONDO:0007540, OMIM 131100.

Allele frequency attached by ClinVar (database versions not stated): gnomAD exomes below 0.00001; ExAC 0.00001.
gnomAD v4.1: 1 of 1,609,808 alleles (0.000062%); highest among the groups gnomAD compares: Non-Finnish European, 0.000085%; no homozygotes.

Submissions (3):

Labcorp Genetics (formerly Invitae), Labcorp
Classification: Likely benign for Multiple endocrine neoplasia, type 1. Last evaluated: 2025-11-18. Review status: criteria provided, single submitter. Criteria: Invitae Variant Classification Sherloc (09022015). Collection method: clinical testing. Allele origin: germline.

Myriad Genetics, Inc.
Classification: Benign for Multiple endocrine neoplasia, type 1. Last evaluated: 2024-10-31. Review status: criteria provided, single submitter. Criteria: Myriad Autosomal Dominant, Autosomal Recessive and X-Linked Classification Criteria (2023). Collection method: clinical testing. Allele origin: unknown.
Comment: This variant is considered benign. This variant is a silent/synonymous amino acid change and it is not expected to impact splicing.

Ambry Genetics
Classification: Likely benign for Hereditary cancer-predisposing syndrome. Last evaluated: 2019-07-16. Review status: criteria provided, single submitter. Criteria: Ambry Variant Classification Scheme 2023. Collection method: clinical testing. Allele origin: germline.